The following is an entry in ClinVar:

NM_020745.4(AARS2):c.2794-143G>A

Gene: AARS2 (alanyl-tRNA synthetase 2, mitochondrial; minus strand). Cytogenetic location: 6p21.1.
Variant type: single nucleotide variant.
Coding change: c.2794-143G>A on transcript NM_020745.4 (MANE Select); 143 bases into the intron before coding-DNA position 2794, G replaced by A.
Molecular consequence: intron variant.
Genome position (GRCh38, 1-based): chr6:44,300,854, C>T on the plus strand (G>A on the coding strand, the complement: AARS2 is on the minus strand). VCF-style: chr6-44300854-C-T. GRCh37 (hg19) VCF-style: chr6-44268591-C-T.
Other names: NC_000006.11:g.44268591C>T.
Identifiers: ClinVar variation 677596 (VCV000677596.3), dbSNP rs77287454, ClinGen allele CA138384049.

ClinVar aggregate classification (germline): Likely benign. Review status: criteria provided, multiple submitters, no conflicts (2 of 4 stars). 2 submissions from 2 submitters: Likely benign (2). Last evaluated 2018-06-14.

Allele frequency attached by ClinVar (database versions not stated): gnomAD exomes 0.00101; gnomAD 0.01011 and 0.01085; 1000 Genomes Project 0.01078; TOPMed 0.01114; 1000 Genomes Project 30x 0.01156.

Submissions (3):

GeneDx
Classification: Likely benign. Last evaluated: 2018-06-14. Review status: criteria provided, single submitter. Criteria: GeneDx Variant Classification (06012015). Collection method: clinical testing. Allele origin: germline. Affected: yes.
Comment: This variant is considered likely benign or benign based on one or more of the following criteria: it is a conservative change, it occurs at a poorly conserved position in the protein, it is predicted to be benign by multiple in silico algorithms, and/or has population frequency not consistent with disease.

Breakthrough Genomics
Classification: Likely benign. Review status: criteria provided, single submitter. Criteria: ACMG Guidelines, 2015. Collection method: not provided. Allele origin: germline. Inheritance: Autosomal recessive inheritance. Affected: yes.

Dr. Peter K. Rogan Lab, Western University
No classification provided (evidence only). Condition: Cervical cancer. Review status: no classification provided. Collection method: in vitro. Allele origin: not applicable. Functional consequence: retained intron. Not counted in ClinVar's aggregate classification.